The following is an entry in ClinVar:

ClinVar aggregate classification (germline): Uncertain significance. Review status: criteria provided, multiple submitters, no conflicts (2 of 4 stars). 2 submissions from 2 submitters: Uncertain significance (2). Last evaluated 2023-06-12.

Conditions:
Inborn genetic diseases. Identifiers: MedGen C0950123, MeSH D030342.

gnomAD v4.1: 25 of 1,558,534 alleles (0.0016%); highest among the groups gnomAD compares: Admixed American, 0.0039%; no homozygotes.

Submissions (2):

Ambry Genetics
Classification: Uncertain significance for Inborn genetic diseases. Last evaluated: 2023-06-12. Review status: criteria provided, single submitter. Criteria: Ambry Variant Classification Scheme 2023. Collection method: clinical testing. Allele origin: germline.

Labcorp Genetics (formerly Invitae), Labcorp
Classification: Uncertain significance. Last evaluated: 2022-07-27. Review status: criteria provided, single submitter. Criteria: Invitae Variant Classification Sherloc (09022015). Collection method: clinical testing. Allele origin: germline.
Comment: In summary, the available evidence is currently insufficient to determine the role of this variant in disease. Therefore, it has been classified as a Variant of Uncertain Significance. Algorithms developed to predict the effect of missense changes on protein structure and function (SIFT, PolyPhen-2, Align-GVGD) all suggest that this variant is likely to be tolerated. This variant has not been reported in the literature in individuals affected with RARS-related conditions. This variant is present in population databases (rs244903, gnomAD 0.004%). This sequence change replaces valine, which is neutral and non-polar, with leucine, which is neutral and non-polar, at codon 3 of the RARS protein (p.Val3Leu).

NM_002887.4(RARS1):c.7G>C (p.Val3Leu)

Gene: RARS1 (arginyl-tRNA synthetase 1; plus strand). Cytogenetic location: 5q34.
Variant type: single nucleotide variant.
Coding change: c.7G>C on transcript NM_002887.4 (MANE Select); coding-DNA position 7, G replaced by C.
Protein change: p.Val3Leu; replaces valine 3 with leucine.
Molecular consequence: missense variant.
Genome position (GRCh38, 1-based): chr5:168,486,505, G>C. VCF-style: chr5-168486505-G-C. GRCh37 (hg19) VCF-style: chr5-167913510-G-C.
Other names: short protein forms V3L.
Identifiers: ClinVar variation 2185195 (VCV002185195.6), dbSNP rs244903, ClinGen allele CA3549474.